The following is an entry in ClinVar:

ClinVar aggregate classification (germline): Uncertain significance (1 of 4 stars; one submission).

gnomAD v4.1: 27 of 1,610,394 alleles (0.0017%); highest among the groups gnomAD compares: Non-Finnish European, 0.0021%; no homozygotes.

Submission:

GeneDx
Classification: Uncertain significance. Last evaluated: 2023-11-20. Review status: criteria provided, single submitter. Criteria: GeneDx Variant Classification Process June 2021. Collection method: clinical testing. Allele origin: germline. Affected: yes.
Comment: Not observed at significant frequency in large population cohorts (gnomAD); In silico analysis supports that this missense variant does not alter protein structure/function; Has not been previously published as pathogenic or benign to our knowledge

NM_005236.3(ERCC4):c.2743A>G (p.Lys915Glu)

Gene: ERCC4 (ERCC excision repair 4, endonuclease catalytic subunit; plus strand). Cytogenetic location: 16p13.12.
Variant type: single nucleotide variant.
Coding change: c.2743A>G on transcript NM_005236.3 (MANE Select); coding-DNA position 2743, A replaced by G.
Protein change: p.Lys915Glu; replaces lysine 915 with glutamic acid.
Molecular consequence: missense variant.
Genome position (GRCh38, 1-based): chr16:13,948,339, A>G. VCF-style: chr16-13948339-A-G. GRCh37 (hg19) VCF-style: chr16-14042196-A-G.
Other names: short protein forms K915E.
Identifiers: ClinVar variation 3364396 (VCV003364396.1).
Genomic context (GRCh38, chr16:13,948,339, plus strand): 5'-AAACAGCTTTATGATTTCATTCACACCTCTTTTGCAGAAGTCGTATCAAAAGGAAAAGGG[A>G]AAAAGTGAACAGTGATGGCTGTTTTCTTATCCCATGCCTGTACTTTTCAGCGGCTCCTTG-3'
Protein context (NP_005227.1, residues 905-916): FAEVVSKGKG[Lys915Glu]K